The following is an entry in ClinVar:

NM_001356.5(DDX3X):c.353A>G (p.Lys118Arg)

Gene: DDX3X (DEAD-box helicase 3 X-linked; plus strand). Cytogenetic location: Xp11.4.
Variant type: single nucleotide variant.
Coding change: c.353A>G on transcript NM_001356.5 (MANE Select); coding-DNA position 353, A replaced by G.
Protein change: p.Lys118Arg; replaces lysine 118 with arginine.
Molecular consequence: missense variant. On other transcripts: 5 prime UTR variant (1), non-coding transcript variant (1).
Genome position (GRCh38, 1-based): chrX:41,342,563, A>G. VCF-style: chrX-41342563-A-G. GRCh37 (hg19) VCF-style: chrX-41201816-A-G.
Other names: c.353A>G, p.Lys118Arg (NM_001193416.3); c.305A>G, p.Lys102Arg (NM_001193417.3); c.-206A>G (NM_001363819.1); short protein forms K102R, K118R.
Identifiers: ClinVar variation 1448251 (VCV001448251.11), dbSNP rs759994098, ClinGen allele CA10389407.

ClinVar aggregate classification (germline): Conflicting classifications of pathogenicity. Review status: criteria provided, conflicting classifications (1 of 4 stars). 2 submissions from 2 submitters: Uncertain significance (1); Likely benign (1). Last evaluated 2026-03-01.

Allele frequency attached by ClinVar (database versions not stated): gnomAD 0.00001; TOPMed 0.00003; gnomAD exomes 0.00005; ExAC 0.00006.
gnomAD v4.1: 18 of 1,210,302 alleles (0.0015%); highest among the groups gnomAD compares: Admixed American, 0.022%; no homozygotes.

Submissions (2):

CeGaT Center for Human Genetics Tuebingen
Classification: Likely benign. Last evaluated: 2026-03-01. Review status: criteria provided, single submitter. Criteria: CeGaT Center For Human Genetics Tuebingen Variant Classification Criteria Version 2. Collection method: clinical testing. Allele origin: germline. Affected: yes. Observed: 1 variant allele.
Comment: DDX3X: BS2

Labcorp Genetics (formerly Invitae), Labcorp
Classification: Uncertain significance. Last evaluated: 2024-11-21. Review status: criteria provided, single submitter. Criteria: Invitae Variant Classification Sherloc (09022015). Collection method: clinical testing. Allele origin: germline.
Comment: This sequence change replaces lysine, which is basic and polar, with arginine, which is basic and polar, at codon 118 of the DDX3X protein (p.Lys118Arg). This variant is present in population databases (rs759994098, gnomAD 0.04%), including at least one homozygous and/or hemizygous individual. This variant has not been reported in the literature in individuals affected with DDX3X-related conditions. ClinVar contains an entry for this variant (Variation ID: 1448251). Experimental studies and prediction algorithms are not available or were not evaluated, and the functional significance of this variant is currently unknown. In summary, the available evidence is currently insufficient to determine the role of this variant in disease. Therefore, it has been classified as a Variant of Uncertain Significance.